The following is an entry in ClinVar:

ClinVar aggregate classification (germline): Uncertain significance. Review status: criteria provided, multiple submitters, no conflicts (2 of 4 stars). 2 submissions from 2 submitters: Uncertain significance (2). Last evaluated 2025-11-02.

Conditions:
Hereditary cancer-predisposing syndrome. Also called: Tumor predisposition; Hereditary neoplastic syndrome; Hereditary Cancer Syndrome; Neoplastic Syndromes, Hereditary. Identifiers: Orphanet 140162, MedGen C0027672, MeSH D009386, MONDO:0015356.

gnomAD v4.1: 2 of 1,614,148 alleles (0.00012%); highest among the groups gnomAD compares: Non-Finnish European, 0.00017%; no homozygotes.

Submissions (2):

Labcorp Genetics (formerly Invitae), Labcorp
Classification: Uncertain significance. Last evaluated: 2025-11-02. Review status: criteria provided, single submitter. Criteria: Invitae Variant Classification Sherloc (09022015). Collection method: clinical testing. Allele origin: germline.
Comment: This sequence change replaces tyrosine, which is neutral and polar, with phenylalanine, which is neutral and non-polar, at codon 105 of the POLE protein (p.Tyr105Phe). This variant is present in population databases (no rsID available, gnomAD 0.0009%). This variant has not been reported in the literature in individuals affected with POLE-related conditions. ClinVar contains an entry for this variant (Variation ID: 576825). Invitae Evidence Modeling of protein sequence and biophysical properties (such as structural, functional, and spatial information, amino acid conservation, physicochemical variation, residue mobility, and thermodynamic stability) indicates that this missense variant is not expected to disrupt POLE protein function with a negative predictive value of 80%. In summary, the available evidence is currently insufficient to determine the role of this variant in disease. Therefore, it has been classified as a Variant of Uncertain Significance.

Ambry Genetics
Classification: Uncertain significance for Hereditary cancer-predisposing syndrome. Last evaluated: 2024-02-22. Review status: criteria provided, single submitter. Criteria: Ambry Variant Classification Scheme 2023. Collection method: clinical testing. Allele origin: germline.
Comment: The p.Y105F variant (also known as c.314A>T), located in coding exon 4 of the POLE gene, results from an A to T substitution at nucleotide position 314. The tyrosine at codon 105 is replaced by phenylalanine, an amino acid with highly similar properties. This amino acid position is conserved. In addition, this alteration is predicted to be tolerated by in silico analysis. Since supporting evidence is limited at this time, the clinical significance of this alteration remains unclear.

NM_006231.4(POLE):c.314A>T (p.Tyr105Phe)

Gene: POLE (DNA polymerase epsilon, catalytic subunit; minus strand). Cytogenetic location: 12q24.33.
Variant type: single nucleotide variant.
Coding change: c.314A>T on transcript NM_006231.4 (MANE Select); coding-DNA position 314, A replaced by T.
Protein change: p.Tyr105Phe; replaces tyrosine 105 with phenylalanine.
Molecular consequence: missense variant.
Genome position (GRCh38, 1-based): chr12:132,680,194, T>A on the plus strand (A>T on the coding strand, the complement: POLE is on the minus strand). VCF-style: chr12-132680194-T-A. GRCh37 (hg19) VCF-style: chr12-133256780-T-A.
Other names: short protein forms Y105F.
Identifiers: ClinVar variation 576825 (VCV000576825.12), dbSNP rs1451750169, ClinGen allele CA387368659.
Genomic context (GRCh38, chr12:132,680,194, plus strand): 5'-ATGACACACAGGTCGTCTGACCTGAGTCTATGAAACACACTCACCTTTCTGGTCGCAATG[T>A]AGAAATACGGTTTATAGGGCAAAGCCACCTGTTAAGAGTCACCAACCCATCCAGGGGTGA-3'
Protein context (NP_006222.2, residues 95-115): KVALPYKPYF[Tyr105Phe]IATRKGCERE